The following is an entry in ClinVar:

NM_004484.4(GPC3):c.136C>G (p.Gln46Glu)

Gene: GPC3 (glypican 3; minus strand). Cytogenetic location: Xq26.2.
Variant type: single nucleotide variant.
Coding change: c.136C>G on transcript NM_004484.4 (MANE Select); coding-DNA position 136, C replaced by G.
Protein change: p.Gln46Glu; replaces glutamine 46 with glutamic acid.
Molecular consequence: missense variant.
Genome position (GRCh38, 1-based): chrX:133,985,314, G>C on the plus strand (C>G on the coding strand, the complement: GPC3 is on the minus strand). VCF-style: chrX-133985314-G-C. GRCh37 (hg19) VCF-style: chrX-133119341-G-C.
Other names: c.136C>G, p.Gln46Glu (NM_001164617.2, NM_001164618.2, NM_001164619.2); short protein forms Q46E.
Identifiers: ClinVar variation 506759 (VCV000506759.7), dbSNP rs1556367745, ClinGen allele CA414706957.

ClinVar aggregate classification (germline): Conflicting classifications of pathogenicity. Review status: criteria provided, conflicting classifications (1 of 4 stars). 2 submissions from 2 submitters: Uncertain significance (1); Likely benign (1). Last evaluated 2021-06-07.

Conditions:
Wilms tumor 1 (WT1). Also called: Wilms tumor, somatic. Identifiers: Orphanet 654, MedGen CN033288, MONDO:0008679, OMIM 194070.

Submissions (2):

Labcorp Genetics (formerly Invitae), Labcorp
Classification: Uncertain significance for Wilms tumor 1. Last evaluated: 2021-06-07. Review status: criteria provided, single submitter. Criteria: Invitae Variant Classification Sherloc (09022015). Collection method: clinical testing. Allele origin: germline.
Comment: In summary, the available evidence is currently insufficient to determine the role of this variant in disease. Therefore, it has been classified as a Variant of Uncertain Significance. Algorithms developed to predict the effect of missense changes on protein structure and function are either unavailable or do not agree on the potential impact of this missense change (SIFT: "Tolerated"; PolyPhen-2: "Possibly Damaging"; Align-GVGD: "Class C0"). ClinVar contains an entry for this variant (Variation ID: 506759). This variant is not present in population databases (ExAC no frequency). This sequence change replaces glutamine with glutamic acid at codon 46 of the GPC3 protein (p.Gln46Glu). The glutamine residue is weakly conserved and there is a small physicochemical difference between glutamine and glutamic acid.

GeneDx
Classification: Likely benign. Last evaluated: 2017-02-01. Review status: criteria provided, single submitter. Criteria: GeneDx Variant Classification (06012015). Collection method: clinical testing. Allele origin: germline. Affected: yes.
Comment: This variant is considered likely benign or benign based on one or more of the following criteria: it is a conservative change, it occurs at a poorly conserved position in the protein, it is predicted to be benign by multiple in silico algorithms, and/or has population frequency not consistent with disease.